The following is an entry in ClinVar:

NM_000384.3(APOB):c.914A>G (p.Lys305Arg)

Gene: APOB (apolipoprotein B; minus strand). Cytogenetic location: 2p24.1.
Variant type: single nucleotide variant.
Coding change: c.914A>G on transcript NM_000384.3 (MANE Select); coding-DNA position 914, A replaced by G.
Protein change: p.Lys305Arg; replaces lysine 305 with arginine.
Molecular consequence: missense variant.
Genome position (GRCh38, 1-based): chr2:21,033,509, T>C on the plus strand (A>G on the coding strand, the complement: APOB is on the minus strand). VCF-style: chr2-21033509-T-C. GRCh37 (hg19) VCF-style: chr2-21256381-T-C.
Other names: short protein forms K305R.
Identifiers: ClinVar variation 627784 (VCV000627784.52), dbSNP rs199937544, ClinGen allele CA066324.
Genomic context (GRCh38, chr2:21,033,509, plus strand): 5'-ACAGCTTCGGCCTGCTTTGGAGGTGATGTGGATTTGGTGCTCTCAAATGCGAGGCCCATC[T>C]TCTTAGTACCTGGAAGATGGAAAGTGTCAAAGGAACTCTAGCTTTCTTCATCTCAACCAT-3'
Protein context (NP_000375.3, residues 295-315): NSRFFGEGTK[Lys305Arg]MGLAFESTKS

ClinVar aggregate classification (germline): Conflicting classifications of pathogenicity. Review status: criteria provided, conflicting classifications (1 of 4 stars). 8 submissions from 8 submitters: Uncertain significance (5); Likely benign (3). Last evaluated 2026-01-28.

Conditions:
APOB-related disorder. Also called: APOB-related condition; APOB-related disorders.
Cardiovascular phenotype. Identifiers: MedGen CN230736.
Hypercholesterolemia, autosomal dominant, type B (FHCL2). Also called: HYPERCHOLESTEROLEMIA, FAMILIAL, DUE TO LIGAND-DEFECTIVE APOLIPOPROTEIN B; Familial hypercholesterolemia 2; APOLIPOPROTEIN B-100, FAMILIAL DEFECTIVE; APOLIPOPROTEIN B-100, FAMILIAL LIGAND-DEFECTIVE; APOB-Related Familial Hypercholesterolemia, Autosomal Dominant; Familial Hypercholesterolemia Type B. Identifiers: MedGen C1704417, MONDO:0007751, OMIM 144010.
Familial hypobetalipoproteinemia 1. Also called: APOB-Related Familial Hypobetalipoproteinemia; Hypobetalipoproteinemia, normotriglyceridemic; Acanthocytosis with hypobetalipoproteinemia. Identifiers: MedGen C4551990, MONDO:0014252, OMIM 615558.

Allele frequency attached by ClinVar (database versions not stated): gnomAD exomes 0.00015; TOPMed 0.00015; gnomAD 0.00029.

Submissions (8):

Labcorp Genetics (formerly Invitae), Labcorp
Classification: Likely benign for Familial hypobetalipoproteinemia 1; Hypercholesterolemia, autosomal dominant, type B. Last evaluated: 2026-01-28. Review status: criteria provided, single submitter. Criteria: Invitae Variant Classification Sherloc (09022015). Collection method: clinical testing. Allele origin: germline.

PreventionGenetics, part of Exact Sciences
Classification: Uncertain significance for APOB-related condition. Last evaluated: 2025-07-09. Review status: criteria provided, single submitter. Criteria: ACMG Guidelines, 2015. Collection method: clinical testing. Allele origin: germline.
Comment: The APOB c.914A>G variant is predicted to result in the amino acid substitution p.Lys305Arg. This variant has been reported in an individual with hypercholesterolemia and in one control individual (Junna et al. 2023. PubMedID: 37848354). This variant is reported in 0.032% of alleles in individuals of European (Non-Finnish) descent in gnomAD. At this time, the clinical significance of this variant is uncertain due to the absence of conclusive functional and genetic evidence.

ARUP Laboratories, Molecular Genetics and Genomics, ARUP Laboratories
Classification: Uncertain significance. Last evaluated: 2025-06-12. Review status: criteria provided, single submitter. Criteria: ARUP Molecular Germline Variant Investigation Process 2024. Collection method: clinical testing. Allele origin: germline.
Comment: The APOB c.914A>G; p.Lys305Arg variant (rs199937544, ClinVar Variation ID: 627784) is reported in the literature in an individual affected with hypercholesterolemia (Junna 2023). This variant is found in the non-Finnish European population with an allele frequency of 0.03% (41/129,170 alleles) in the Genome Aggregation Database (v2.1.1). Computational analyses predict that this variant is neutral (REVEL: 0.05). Due to limited information, the clinical significance of this variant is uncertain at this time. References: Junna N et al. Novel Finnish-enriched variants causing severe hypercholesterolemia and their clinical impact on coronary artery disease. Atherosclerosis. 2023 Dec;386:117327. PMID: 37848354.

Quest Diagnostics Nichols Institute San Juan Capistrano
Classification: Uncertain significance. Last evaluated: 2025-02-14. Review status: criteria provided, single submitter. Criteria: Quest Diagnostics criteria. Collection method: clinical testing. Allele origin: unknown.
Comment: The APOB c.914A>G (p.Lys305Arg) variant has been reported in the published literature as variant of uncertain significance in the parent of a child with high total cholesterol (PMID: 38955586 (2024)). The frequency of this variant in the general population (Genome Aggregation Database) is uninformative in the assessment of its pathogenicity. Analysis of this variant using bioinformatics tools for the prediction of the effect of amino acid changes on protein structure and function yielded predictions that this variant is benign. Based on the available information, we are unable to determine the clinical significance of this variant.

Blueprint Genetics
Classification: Likely benign. Last evaluated: 2024-11-22. Review status: criteria provided, single submitter. Criteria: ACMG Guidelines, 2015. Collection method: clinical testing. Allele origin: germline.

GeneDx
Classification: Uncertain significance. Last evaluated: 2023-08-04. Review status: criteria provided, single submitter. Criteria: GeneDx Variant Classification Process June 2021. Collection method: clinical testing. Allele origin: germline.
Comment: In silico analysis supports that this missense variant does not alter protein structure/function; Has not been previously published as pathogenic or benign to our knowledge

Ambry Genetics
Classification: Likely benign for Cardiovascular phenotype. Last evaluated: 2022-01-13. Review status: criteria provided, single submitter. Criteria: Ambry Variant Classification Scheme 2023. Collection method: clinical testing. Allele origin: germline.

CeGaT Center for Human Genetics Tuebingen
Classification: Uncertain significance. Last evaluated: 2021-12-01. Review status: criteria provided, single submitter. Criteria: CeGaT Center For Human Genetics Tuebingen Variant Classification Criteria Version 2. Collection method: clinical testing. Allele origin: germline. Affected: yes. Observed: 1 variant allele.

Literature cited by the submitters: PubMed 37848354 (cited by Quest Diagnostics Nichols Institute San Juan Capistrano); PubMed 38955586 (cited by Quest Diagnostics Nichols Institute San Juan Capistrano).